The following is an entry in ClinVar:

NC_000012.11:g.(?_122292589)_(122296729_?)del

Gene: HPD (4-hydroxyphenylpyruvate dioxygenase; minus strand). Cytogenetic location: 12q24.31.
Variant type: Deletion.
Identifiers: ClinVar variation 3244251 (VCV003244251.1).

ClinVar aggregate classification (germline): Pathogenic (1 of 4 stars; one submission).

Conditions:
Tyrosinemia type III. Also called: 4-HYDROXYPHENYLPYRUVIC ACID OXIDASE DEFICIENCY; Tyrosinemia type 3; 4-alpha hydroxyphenylpyruvic acid oxidase deficiency; 4-alpha hydroxyphenylpyruvate dioxygenase deficiency; 4-Hydroxyphenylpyruvate dioxygenase deficiency. Identifiers: Orphanet 69723, MedGen C0268623, MONDO:0010162, OMIM 276710.
Hawkinsinuria. Identifiers: Orphanet 2118, MedGen C2931042, MONDO:0007700, OMIM 140350, HP:0034457.

Submission:

Labcorp Genetics (formerly Invitae), Labcorp
Classification: Pathogenic for Tyrosinemia type III; Hawkinsinuria. Last evaluated: 2023-07-12. Review status: criteria provided, single submitter. Criteria: Invitae Variant Classification Sherloc (09022015). Collection method: clinical testing. Allele origin: unknown.
Comment: For these reasons, this variant has been classified as Pathogenic. This variant has not been reported in the literature in individuals affected with HPD-related conditions. This variant is a gross deletion of the genomic region encompassing exon(s) 1-7 of the HPD gene, which includes the initiator codon. This deletion extends beyond the assayed region for this gene and therefore may encompass additional genes. It is expected to result in an absent or disrupted protein product. Loss-of-function variants in HPD are known to be pathogenic (PMID: 10942115, 23036342).

Literature cited by the submitters: PubMed 10942115; PubMed 23036342.